The following is an entry in ClinVar:

ClinVar aggregate classification (germline): Uncertain significance (1 of 4 stars; one submission).

gnomAD v4.1: 1 of 1,587,358 alleles (0.000063%); no homozygotes.

Submission:

Dasa
Classification: Uncertain significance. Last evaluated: 2025-11-14. Review status: criteria provided, single submitter. Criteria: DASA Assertion Criteria. Collection method: clinical testing. Allele origin: germline.
Comment: NM_001322934.2(NFKB2):c.1118-9T>A is a splice-region variant. This variant is rare in population databases. The currently available literature and clinical evidence are not sufficient to establish a definitive association between this variant and the reported condition. Therefore, this variant is classified as a variant of uncertain significance.

NM_001322934.2(NFKB2):c.1118-9T>A

Gene: NFKB2 (nuclear factor kappa B subunit 2; plus strand). Cytogenetic location: 10q24.32.
Variant type: single nucleotide variant.
Coding change: c.1118-9T>A on transcript NM_001322934.2 (MANE Select); 9 bases into the intron before coding-DNA position 1118, T replaced by A.
Molecular consequence: intron variant.
Genome position (GRCh38, 1-based): chr10:102,399,279, T>A. VCF-style: chr10-102399279-T-A. GRCh37 (hg19) VCF-style: chr10-104159036-T-A.
Other names: c.1118-9T>A (NM_001288724.1, NM_001077494.3, NM_001261403.3 and 1 more transcripts); c.992-9T>A (NM_001322935.1).
Identifiers: ClinVar variation 4882525 (VCV004882525.2).